The following is an entry in ClinVar:

NM_177400.3(NKX6-2):c.722C>T (p.Pro241Leu)

Gene: NKX6-2 (NK6 homeobox 2; minus strand). Cytogenetic location: 10q26.3.
Variant type: single nucleotide variant.
Coding change: c.722C>T on transcript NM_177400.3 (MANE Select); coding-DNA position 722, C replaced by T.
Protein change: p.Pro241Leu; replaces proline 241 with leucine.
Molecular consequence: missense variant.
Genome position (GRCh38, 1-based): chr10:132,785,028, G>A on the plus strand (C>T on the coding strand, the complement: NKX6-2 is on the minus strand). VCF-style: chr10-132785028-G-A. GRCh37 (hg19) VCF-style: chr10-134598532-G-A.
Other names: short protein forms P241L.
Identifiers: ClinVar variation 2045412 (VCV002045412.3), dbSNP rs781138890, ClinGen allele CA5756001.

ClinVar aggregate classification (germline): Uncertain significance (1 of 4 stars; one submission).

Allele frequency attached by ClinVar (database versions not stated): ExAC 0.00005.
gnomAD v4.1: 34 of 1,609,888 alleles (0.0021%); highest among the groups gnomAD compares: Admixed American, 0.018%; no homozygotes.

Submission:

Labcorp Genetics (formerly Invitae), Labcorp
Classification: Uncertain significance. Last evaluated: 2026-01-05. Review status: criteria provided, single submitter. Criteria: Invitae Variant Classification Sherloc (09022015). Collection method: clinical testing. Allele origin: germline.
Comment: This sequence change replaces proline, which is neutral and non-polar, with leucine, which is neutral and non-polar, at codon 241 of the NKX6-2 protein (p.Pro241Leu). This variant is present in population databases (rs781138890, gnomAD 0.02%). This variant has not been reported in the literature in individuals affected with NKX6-2-related conditions. ClinVar contains an entry for this variant (Variation ID: 2045412). An algorithm developed to predict the effect of missense changes on protein structure and function (PolyPhen-2) suggests that this variant is likely to be disruptive. In summary, the available evidence is currently insufficient to determine the role of this variant in disease. Therefore, it has been classified as a Variant of Uncertain Significance.